The following is an entry in ClinVar:

ClinVar aggregate classification (germline): Uncertain significance (1 of 4 stars; one submission).

Conditions:
Autosomal dominant slowed nerve conduction velocity. Identifiers: Orphanet 140481, MedGen C1842357, MONDO:0011998, OMIM 608236.

Allele frequency attached by ClinVar (database versions not stated): ExAC 0.00001; gnomAD 0.00001; gnomAD exomes 0.00002; ESP Exome Variant Server 0.00008.
gnomAD v4.1: 27 of 1,614,036 alleles (0.0017%); highest among the groups gnomAD compares: Admixed American, 0.0033%; no homozygotes.

Submission:

Labcorp Genetics (formerly Invitae), Labcorp
Classification: Uncertain significance. Last evaluated: 2025-07-23. Review status: criteria provided, single submitter. Criteria: Invitae Variant Classification Sherloc (09022015). Collection method: clinical testing. Allele origin: germline.
Comment: This sequence change replaces aspartic acid, which is acidic and polar, with glycine, which is neutral and non-polar, at codon 299 of the ARHGEF10 protein (p.Asp299Gly). This variant is present in population databases (rs368730891, gnomAD 0.009%). This variant has not been reported in the literature in individuals affected with ARHGEF10-related conditions. ClinVar contains an entry for this variant (Variation ID: 1524803). An algorithm developed to predict the effect of missense changes on protein structure and function outputs the following: PolyPhen-2: "Benign". The glycine amino acid residue is found in multiple mammalian species, which suggests that this missense change does not adversely affect protein function. In summary, the available evidence is currently insufficient to determine the role of this variant in disease. Therefore, it has been classified as a Variant of Uncertain Significance.

NM_014629.4(ARHGEF10):c.896A>G (p.Asp299Gly)

Gene: ARHGEF10 (Rho guanine nucleotide exchange factor 10; plus strand). Cytogenetic location: 8p23.3.
Variant type: single nucleotide variant.
Coding change: c.896A>G on transcript NM_014629.4 (MANE Select); coding-DNA position 896, A replaced by G.
Protein change: p.Asp299Gly; replaces aspartic acid 299 with glycine.
Molecular consequence: missense variant. On other transcripts: intron variant (1).
Genome position (GRCh38, 1-based): chr8:1,880,100, A>G. VCF-style: chr8-1880100-A-G. GRCh37 (hg19) VCF-style: chr8-1828266-A-G.
Other names: c.899A>G, p.Asp300Gly (NM_001308153.3); c.847-2535A>G (NM_001308152.2); c.896A>G (NM_014629.3); short protein forms D299G, D324G, D300G.
Identifiers: ClinVar variation 1524803 (VCV001524803.7), dbSNP rs368730891, ClinGen allele CA4600097.